The following is an entry in ClinVar:

ClinVar aggregate classification (germline): Uncertain significance (1 of 4 stars; one submission).

Submission:

Labcorp Genetics (formerly Invitae), Labcorp
Classification: Uncertain significance. Last evaluated: 2022-08-12. Review status: criteria provided, single submitter. Criteria: Invitae Variant Classification Sherloc (09022015). Collection method: clinical testing. Allele origin: germline.
Comment: This sequence change falls in intron 25 of the LAMC3 gene. It does not directly change the encoded amino acid sequence of the LAMC3 protein. Information on the frequency of this variant in the gnomAD database is not available, as this variant may be reported differently in the database. This variant has not been reported in the literature in individuals affected with LAMC3-related conditions. Experimental studies and prediction algorithms are not available or were not evaluated, and the effect of this variant on mRNA splicing is currently unknown. In summary, the available evidence is currently insufficient to determine the role of this variant in disease. Therefore, it has been classified as a Variant of Uncertain Significance.

NM_006059.4(LAMC3):c.4231-11_4231-10delinsTT

Gene: LAMC3 (laminin subunit gamma 3; plus strand). Cytogenetic location: 9q34.12.
Variant type: Indel.
Coding change: c.4231-11_4231-10delinsTT on transcript NM_006059.4 (MANE Select); 11 bases into the intron before coding-DNA position 4231 through 10 bases into the intron before coding-DNA position 4231, CC replaced by TT.
Molecular consequence: intron variant.
Genome position (GRCh38, 1-based): chr9:131,087,465-131,087,466, CC replaced by TT. VCF-style: chr9-131087465-CC-TT. GRCh37 (hg19) VCF-style: chr9-133962852-CC-TT.
Identifiers: ClinVar variation 1918889 (VCV001918889.2), dbSNP rs2538327937, ClinGen allele CA2580079884.